The following is an entry in ClinVar:

ClinVar aggregate classification (germline): Uncertain significance. Review status: criteria provided, multiple submitters, no conflicts (2 of 4 stars). 4 submissions from 4 submitters: Uncertain significance (4). Last evaluated 2025-03-04.

Conditions:
Epilepsy, idiopathic generalized, susceptibility to, 11 (EIG11). Identifiers: Orphanet 307, MedGen C2750893, MONDO:0011875, OMIM 607628.
Familial hyperaldosteronism type II. Also called: FH II. Identifiers: Orphanet 404, MedGen C1854107, MONDO:0011576, OMIM 605635.
Leukoencephalopathy with mild cerebellar ataxia and white matter edema (LKPAT). Also called: Leukoencephalopathy with ataxia; Leukoencephalopathy with white matter edema; Brain white matter edema; CLCN2-Related Leukoencephalopathy. Identifiers: Orphanet 363540, MedGen C4554120, MONDO:0014292, OMIM 615651. Disease mechanism: loss of function.
Inborn genetic diseases. Identifiers: MedGen C0950123, MeSH D030342.

Allele frequency attached by ClinVar (database versions not stated): ExAC 0.00001; gnomAD 0.00001; TOPMed 0.00002; ESP Exome Variant Server 0.00008.

Submissions (4):

Labcorp Genetics (formerly Invitae), Labcorp
Classification: Uncertain significance. Last evaluated: 2025-03-04. Review status: criteria provided, single submitter. Criteria: Invitae Variant Classification Sherloc (09022015). Collection method: clinical testing. Allele origin: germline.
Comment: This sequence change replaces arginine, which is basic and polar, with cysteine, which is neutral and slightly polar, at codon 652 of the CLCN2 protein (p.Arg652Cys). This variant is present in population databases (rs375856357, gnomAD 0.004%). This variant has not been reported in the literature in individuals affected with CLCN2-related conditions. ClinVar contains an entry for this variant (Variation ID: 2067460). Invitae Evidence Modeling of protein sequence and biophysical properties (such as structural, functional, and spatial information, amino acid conservation, physicochemical variation, residue mobility, and thermodynamic stability) indicates that this missense variant is not expected to disrupt CLCN2 protein function with a negative predictive value of 80%. In summary, the available evidence is currently insufficient to determine the role of this variant in disease. Therefore, it has been classified as a Variant of Uncertain Significance.

CeGaT Center for Human Genetics Tuebingen
Classification: Uncertain significance. Last evaluated: 2024-12-01. Review status: criteria provided, single submitter. Criteria: CeGaT Center For Human Genetics Tuebingen Variant Classification Criteria Version 2. Collection method: clinical testing. Allele origin: germline. Affected: yes. Observed: 1 variant allele.
Comment: CLCN2: PM2

Fulgent Genetics
Classification: Uncertain significance for Familial hyperaldosteronism type II; Epilepsy, idiopathic generalized, susceptibility to, 11; Leukoencephalopathy with mild cerebellar ataxia and white matter edema. Last evaluated: 2024-04-23. Review status: criteria provided, single submitter. Criteria: ACMG Guidelines, 2015. Collection method: clinical testing. Allele origin: germline.

Ambry Genetics
Classification: Uncertain significance for Inborn genetic diseases. Last evaluated: 2023-04-25. Review status: criteria provided, single submitter. Criteria: Ambry Variant Classification Scheme 2023. Collection method: clinical testing. Allele origin: germline.

NM_004366.6(CLCN2):c.1954C>T (p.Arg652Cys)

Gene: CLCN2 (chloride voltage-gated channel 2; minus strand). Cytogenetic location: 3q27.1.
Variant type: single nucleotide variant.
Coding change: c.1954C>T on transcript NM_004366.6 (MANE Select); coding-DNA position 1954, C replaced by T.
Protein change: p.Arg652Cys; replaces arginine 652 with cysteine.
Molecular consequence: missense variant.
Genome position (GRCh38, 1-based): chr3:184,353,324, G>A on the plus strand (C>T on the coding strand, the complement: CLCN2 is on the minus strand). VCF-style: chr3-184353324-G-A. GRCh37 (hg19) VCF-style: chr3-184071112-G-A.
Other names: c.1903C>T, p.Arg635Cys (NM_001171087.3); c.1822C>T, p.Arg608Cys (NM_001171088.3); c.1954C>T, p.Arg652Cys (NM_001171089.3); c.1954C>T (NM_004366.4); short protein forms R635C, R608C, R652C.
Identifiers: ClinVar variation 2067460 (VCV002067460.20), dbSNP rs375856357, ClinGen allele CA2733929.